The following is an entry in ClinVar:

ClinVar aggregate classification (germline): Benign. Review status: criteria provided, multiple submitters, no conflicts (2 of 4 stars). 2 submissions from 2 submitters: Benign (2). Last evaluated 2018-01-12.

Conditions:
Nail-patella syndrome (NPS). Also called: FONG DISEASE; ONYCHOOSTEODYSPLASIA; TURNER-KIESER SYNDROME. Identifiers: Orphanet 2614, MedGen C0027341, MONDO:0008061, OMIM 161200.

Allele frequency attached by ClinVar (database versions not stated): 1000 Genomes Project 30x 0.19894; 1000 Genomes Project 0.20567; TOPMed 0.22321; gnomAD 0.22906 and 0.23383; gnomAD exomes 0.24797.
gnomAD v4.1: 35,836 of 152,478 alleles (24%); highest among the groups gnomAD compares: Middle Eastern, 39%; 5,203 homozygotes.

Submissions (2):

Illumina Laboratory Services, Illumina
Classification: Benign for Nail-patella syndrome. Last evaluated: 2018-01-12. Review status: criteria provided, single submitter. Criteria: ICSL Variant Classification Criteria 13 December 2019. Collection method: clinical testing. Allele origin: germline.
Comment: This variant was observed in the ICSL laboratory as part of a predisposition screen in an ostensibly healthy population. It had not been previously curated by ICSL or reported in the Human Gene Mutation Database (HGMD: prior to June 1st, 2018), and was therefore a candidate for classification through an automated scoring system. Utilizing variant allele frequency, disease prevalence and penetrance estimates, and inheritance mode, an automated score was calculated to assess if this variant is too frequent to cause the disease. Based on the score and internal cut-off values, a variant classified as benign is not then subjected to further curation. The score for this variant resulted in a classification of benign for this disease.

Breakthrough Genomics
Classification: Benign. Review status: criteria provided, single submitter. Criteria: ACMG Guidelines, 2015. Collection method: not provided. Allele origin: germline. Inheritance: Autosomal dominant inheritance. Affected: yes.

NM_001174147.2(LMX1B):c.*708G>A

Gene: LMX1B (LIM homeobox transcription factor 1 beta; plus strand). Cytogenetic location: 9q33.3.
Variant type: single nucleotide variant.
Coding change: c.*708G>A on transcript NM_001174147.2 (MANE Select); 708 bases downstream of the stop codon, G replaced by A.
Molecular consequence: 3 prime UTR variant.
Genome position (GRCh38, 1-based): chr9:126,697,159, G>A. VCF-style: chr9-126697159-G-A. GRCh37 (hg19) VCF-style: chr9-129459438-G-A.
Other names: c.*708G>A (NM_001174146.2, NM_002316.4).
Identifiers: ClinVar variation 364912 (VCV000364912.6), dbSNP rs10987413, ClinGen allele CA10632275.